The following is an entry in ClinVar:

ClinVar aggregate classification (germline): Conflicting classifications of pathogenicity. Review status: criteria provided, conflicting classifications (1 of 4 stars). 8 submissions from 8 submitters: Uncertain significance (5); Benign (1); Likely benign (1). 1 of the submissions does not count toward it. Last evaluated 2025-08-20.

Conditions:
TTN-related disorder. Also called: TTN-related condition; TTN-related disease; TTN-related disorders.
Dilated cardiomyopathy 1G (CMD1G). Identifiers: Orphanet 154, MedGen C1858763, MONDO:0011400, OMIM 604145.
Autosomal recessive limb-girdle muscular dystrophy type 2J (LGMDR10). Also called: MUSCULAR DYSTROPHY, LIMB-GIRDLE, AUTOSOMAL RECESSIVE 10; Limb-girdle muscular dystrophy, type 2J. Identifiers: Orphanet 140922, MedGen C1837342, MONDO:0012127, OMIM 608807.
Hypertrophic cardiomyopathy 9. Also called: Familial hypertrophic cardiomyopathy 9. Identifiers: MedGen C1861065, MONDO:0013412, OMIM 613765.

Allele frequency attached by ClinVar (database versions not stated): ExAC 0.00002; gnomAD exomes 0.00007 and 0.00022; ESP Exome Variant Server 0.00008; TOPMed 0.00011.
gnomAD v4.1: 326 of 1,595,866 alleles (0.02%); highest among the groups gnomAD compares: Non-Finnish European, 0.027%; no homozygotes.

Submissions (8):

Mayo Clinic Laboratories, Mayo Clinic
Classification: Likely benign. Last evaluated: 2025-08-20. Review status: criteria provided, single submitter. Criteria: ACMG Guidelines, 2015. Collection method: clinical testing. Allele origin: germline. Observed: 1 variant allele.
Comment: BP1, BP4, BP7

Revvity Omics, Revvity
Classification: Uncertain significance. Last evaluated: 2025-03-19. Review status: criteria provided, single submitter. Criteria: ACMG Guidelines, 2015. Collection method: clinical testing. Allele origin: germline.

Women's Health and Genetics/Laboratory Corporation of America, LabCorp
Classification: Uncertain significance. Last evaluated: 2024-10-04. Review status: criteria provided, single submitter. Criteria: LabCorp Variant Classification Summary - May 2015. Collection method: clinical testing. Allele origin: germline.
Comment: Variant summary: TTN c.29608+5A>C alters a conserved nucleotide located close to a canonical splice site and therefore could affect mRNA splicing, leading to a significantly altered protein sequence. Consensus agreement among computation tools predict no significant impact on normal splicing. However, these predictions have yet to be confirmed by functional studies. The variant allele was found at a frequency of 0.00021 in 1588912 control chromosomes, predominantly at a frequency of 0.00027 within the Non-Finnish European subpopulation in the gnomAD database (v4.1 dataset). This frequency is not higher than the estimated maximum expected for a pathogenic variant in TTN causing Limb-Girdle Muscular Dystrophy, Type 2J, allowing no conclusion about variant significance. To our knowledge, no occurrence of c.29608+5A>C in individuals affected with Limb-Girdle Muscular Dystrophy, Type 2J and no experimental evidence demonstrating its impact on protein function have been reported. ClinVar contains an entry for this variant (Variation ID: 194301). Based on the evidence outlined above, the variant was classified as uncertain significance.

New York Genome Center
Classification: Uncertain significance for Dilated cardiomyopathy 1G; Hypertrophic cardiomyopathy 9. Last evaluated: 2021-01-26. Review status: criteria provided, single submitter. Criteria: NYGC Assertion Criteria 2020. Collection method: clinical testing. Allele origin: germline. Observed: 1 heterozygote.

Eurofins Ntd Llc (ga)
Classification: Uncertain significance. Last evaluated: 2017-05-23. Review status: criteria provided, single submitter. Criteria: EGL Classification Definitions 2015. Collection method: clinical testing. Allele origin: germline. Observed: 4 variant alleles, 4 heterozygotes.

Labcorp Genetics (formerly Invitae), Labcorp
Classification: Uncertain significance for Dilated cardiomyopathy 1G; Autosomal recessive limb-girdle muscular dystrophy type 2J. Last evaluated: 2017-01-12. Review status: criteria provided, single submitter. Criteria: Invitae Variant Classification Sherloc (09022015). Collection method: clinical testing. Allele origin: germline.

GeneDx
Classification: Benign. Last evaluated: 2015-12-29. Review status: criteria provided, single submitter. Criteria: GeneDx Variant Classification (06012015). Collection method: clinical testing. Allele origin: germline. Affected: yes.
Comment: This variant is considered likely benign or benign based on one or more of the following criteria: it is a conservative change, it occurs at a poorly conserved position in the protein, it is predicted to be benign by multiple in silico algorithms, and/or has population frequency not consistent with disease.

PreventionGenetics, part of Exact Sciences
Classification: Likely benign for TTN-related condition. Last evaluated: 2023-09-27. Review status: no assertion criteria provided. Collection method: clinical testing. Allele origin: germline. Not counted in ClinVar's aggregate classification.
Comment: This variant is classified as likely benign based on ACMG/AMP sequence variant interpretation guidelines (Richards et al. 2015 PMID: 25741868, with internal and published modifications).

NM_001267550.2(TTN):c.33340+5A>C

Gene: TTN (titin; minus strand). Cytogenetic location: 2q31.2.
Variant type: single nucleotide variant.
Coding change: c.33340+5A>C on transcript NM_001267550.2 (MANE Select); 5 bases into the intron after coding-DNA position 33340, A replaced by C.
Molecular consequence: intron variant.
Genome position (GRCh38, 1-based): chr2:178,681,074, T>G on the plus strand (A>C on the coding strand, the complement: TTN is on the minus strand). VCF-style: chr2-178681074-T-G. GRCh37 (hg19) VCF-style: chr2-179545801-T-G.
Other names: c.13283-38757A>C (NM_003319.4); c.13859-38757A>C (NM_133437.4); c.13658-38757A>C (NM_133432.3); c.29608+5A>C (NM_133378.4); c.32389+5A>C (NM_001256850.1).
Identifiers: ClinVar variation 194301 (VCV000194301.26), dbSNP rs373367032, ClinGen allele CA240203.